The following is an entry in ClinVar:

NM_206933.4(USH2A):c.14225_14232dup (p.Val4745fs)

Gene: USH2A (usherin; minus strand). Cytogenetic location: 1q41.
Variant type: Duplication.
Coding change: c.14225_14232dup on transcript NM_206933.4 (MANE Select); coding-DNA positions 14225 to 14232, 8 bases duplicated (CGTTCCAT; older notation c.14225_14232dupCGTTCCAT).
Protein change: p.Val4745fs; shifts the reading frame from valine 4745.
Molecular consequence: frameshift variant.
Genome position (GRCh38, 1-based): chr1:215,650,703-215,650,710, ATGGAACG duplicated on the plus strand (CGTTCCAT on the coding strand, the reverse complement: USH2A is on the minus strand). VCF-style (leftmost placement, unchanged base first): chr1-215650702-C-CATGGAACG. GRCh37 (hg19) VCF-style: chr1-215824044-C-CATGGAACG.
Other names: c.14225_14232dupCGTTCCAT (NM_206933.2); short protein forms V4745fs.
Identifiers: ClinVar variation 870919 (VCV000870919.49), dbSNP rs1657036615, ClinGen allele CA1139656551.

ClinVar aggregate classification (germline): Pathogenic. Review status: criteria provided, multiple submitters, no conflicts (2 of 4 stars). 7 submissions from 7 submitters: Pathogenic (6). 1 of the submissions does not count toward it. Last evaluated 2025-03-18.

Conditions:
Retinal dystrophy. Also called: Inherited retinal dystrophy. Identifiers: Orphanet 71862, MedGen C0854723, MeSH D058499, MONDO:0019118, HP:0000556.
USH2A-related disorder. Also called: USH2A-related condition; USH2A-related disorders. Identifiers: MedGen CN239332.
Usher syndrome type 2A. Also called: RETINAL DISEASE IN USHER SYNDROME TYPE IIA, MODIFIER OF; USHER SYNDROME, TYPE IIA. Identifiers: Orphanet 231178, Orphanet 886, MedGen C1848634, MONDO:0010169, OMIM 276901.

Submissions (7):

Natera, Inc.
Classification: Pathogenic for Usher syndrome type 2A. Last evaluated: 2025-03-18. Review status: criteria provided, single submitter. Criteria: Natera Variant Classification Schema (03/2026). Collection method: clinical testing. Allele origin: germline.
Comment: The c.14225_14232dupCGTTCCAT variant in USH2A is a frameshift variant predicted to shift the reading frame beginning at codon 4745 and leads to a stop codon 4 codons downstream. This variant is expected to result in nonsense mediated decay, truncation, or a dysfunctional protein product. This variant is rare in the general population with a frequency below the threshold expected for the associated phenotype(s). This variant has been observed in one or more individuals affected with the associated recessive disease, as either homozygous or compound heterozygous with a second variant (PMID: 27460420, 32531858, 24944099). Given the available evidence, this variant is classified as Pathogenic.

Genome-Nilou Lab
Classification: Pathogenic for Usher syndrome type 2A. Last evaluated: 2023-11-04. Review status: criteria provided, single submitter. Criteria: ACMG Guidelines, 2015. Collection method: clinical testing. Allele origin: germline. Affected: no.

Blueprint Genetics
Classification: Pathogenic for USH2A-related disorders. Last evaluated: 2023-02-22. Review status: criteria provided, single submitter. Criteria: ACMG Guidelines, 2015. Collection method: clinical testing. Allele origin: germline. Affected: yes. Observed: 4 variant alleles.

MGZ Medical Genetics Center
Classification: Pathogenic for Usher syndrome type 2A. Last evaluated: 2022-07-21. Review status: criteria provided, single submitter. Criteria: ACMG Guidelines, 2015. Collection method: clinical testing. Allele origin: germline. Affected: yes. Observed: 1 variant allele.
Comment: ACMG criteria applied: PVS1, PM3_STR, PM2_SUP

Labcorp Genetics (formerly Invitae), Labcorp
Classification: Pathogenic. Last evaluated: 2021-12-24. Review status: criteria provided, single submitter. Criteria: Invitae Variant Classification Sherloc (09022015). Collection method: clinical testing. Allele origin: germline.
Comment: For these reasons, this variant has been classified as Pathogenic. ClinVar contains an entry for this variant (Variation ID: 870919). This premature translational stop signal has been observed in individual(s) with Usher syndrome (PMID: 24944099). This variant is not present in population databases (gnomAD no frequency). This sequence change creates a premature translational stop signal (p.Val4745Argfs*4) in the USH2A gene. It is expected to result in an absent or disrupted protein product. Loss-of-function variants in USH2A are known to be pathogenic (PMID: 10729113, 10909849, 20507924, 25649381).

CeGaT Center for Human Genetics Tuebingen
Classification: Pathogenic. Last evaluated: 2017-08-01. Review status: criteria provided, single submitter. Criteria: CeGaT Center For Human Genetics Tuebingen Variant Classification Criteria Version 2. Collection method: clinical testing. Allele origin: germline. Affected: yes. Observed: 1 variant allele.

Institute of Human Genetics, Univ. Regensburg, Univ. Regensburg
Classification: Pathogenic for Retinal dystrophy. Last evaluated: 2014-01-01. Review status: no assertion criteria provided. Criteria: ACMG Guidelines, 2015. Collection method: clinical testing. Allele origin: germline. Affected: yes. Not counted in ClinVar's aggregate classification.

Literature cited by the submitters: PubMed 27460420 (cited by Natera, Inc.); PubMed 32531858 (cited by Natera, Inc.); PubMed 24944099 (cited by Natera, Inc. and Labcorp Genetics (formerly Invitae), Labcorp); PubMed 10729113 (cited by Labcorp Genetics (formerly Invitae), Labcorp); PubMed 10909849 (cited by Labcorp Genetics (formerly Invitae), Labcorp); PubMed 20507924 (cited by Labcorp Genetics (formerly Invitae), Labcorp); PubMed 25649381 (cited by Labcorp Genetics (formerly Invitae), Labcorp).